The following is an entry in ClinVar:

ClinVar aggregate classification (germline): Uncertain significance (1 of 4 stars; one submission).

Allele frequency attached by ClinVar (database versions not stated): gnomAD exomes below 0.00001.
gnomAD v4.1: 5 of 1,613,368 alleles (0.00031%); highest among the groups gnomAD compares: Admixed American, 0.0033%; no homozygotes.

Submission:

GeneDx
Classification: Uncertain significance. Last evaluated: 2021-01-12. Review status: criteria provided, single submitter. Criteria: GeneDx Variant Classification Process June 2021. Collection method: clinical testing. Allele origin: germline. Affected: yes.
Comment: Not observed in large population cohorts (Lek et al., 2016); In silico analysis supports that this missense variant has a deleterious effect on protein structure/function; Has not been previously published as pathogenic or benign to our knowledge

NM_001330078.2(NRXN1):c.2443G>T (p.Val815Phe)

Gene: NRXN1 (neurexin 1; minus strand). Cytogenetic location: 2p16.3.
Variant type: single nucleotide variant.
Coding change: c.2443G>T on transcript NM_001330078.2 (MANE Select); coding-DNA position 2443, G replaced by T.
Protein change: p.Val815Phe; replaces valine 815 with phenylalanine.
Molecular consequence: missense variant.
Genome position (GRCh38, 1-based): chr2:50,506,549, C>A on the plus strand (G>T on the coding strand, the complement: NRXN1 is on the minus strand). VCF-style: chr2-50506549-C-A. GRCh37 (hg19) VCF-style: chr2-50733687-C-A.
Other names: c.2563G>T, p.Val855Phe (NM_001135659.3); c.2419G>T, p.Val807Phe (NM_001330077.2, NM_001330082.2); c.2377G>T, p.Val793Phe (NM_001330083.2, NM_001330084.2); c.2416G>T, p.Val806Phe (NM_001330085.2); c.2443G>T, p.Val815Phe (NM_001330086.2, NM_004801.6); c.2332G>T, p.Val778Phe (NM_001330087.2, NM_001330096.2); c.2362G>T, p.Val788Phe (NM_001330088.2); c.2440G>T, p.Val814Phe (NM_001330093.2); and 2 more; short protein forms V778F, V788F, V793F, V798F, V806F, V807F, V811F, V814F.
Identifiers: ClinVar variation 1316060 (VCV001316060.2), dbSNP rs752085615, ClinGen allele CA346777933.
Genomic context (GRCh38, chr2:50,506,549, plus strand): 5'-GTTTACCTGTCATGGCCTGTTGGTCATCCACTGTTAACTTTAAACTTTTTCCACGCCGAA[C>A]TACACGCACTGTGTGCCACTCGTTATCATTGAGGTTATAGCCAGCAAAAAGAGTCTCGGG-3'
Protein context (NP_001317007.1, residues 805-825): NDNEWHTVRV[Val815Phe]RRGKSLKLTV